The following is an entry in ClinVar:

NM_145038.5(DRC1):c.1394C>T (p.Ser465Leu)

Gene: DRC1 (dynein regulatory complex subunit 1; plus strand). Cytogenetic location: 2p23.3.
Variant type: single nucleotide variant.
Coding change: c.1394C>T on transcript NM_145038.5 (MANE Select); coding-DNA position 1394, C replaced by T.
Protein change: p.Ser465Leu; replaces serine 465 with leucine.
Molecular consequence: missense variant.
Genome position (GRCh38, 1-based): chr2:26,444,946, C>T. VCF-style: chr2-26444946-C-T. GRCh37 (hg19) VCF-style: chr2-26667814-C-T.
Other names: short protein forms S465L.
Identifiers: ClinVar variation 3716568 (VCV003716568.2).
Genomic context (GRCh38, chr2:26,444,946, plus strand): 5'-CTATTTCTCAGCAGCCCCAGAAGTCCGCCACACAGATAGTAGAAGAAATGCTTATGCGCT[C>T]AGGTGACTAGAACACTGTCATAGAGCCTTAGAGCTGGAGGAGCCCCCTGAGAACATCGGG-3'
Protein context (NP_659475.2, residues 455-475): TQIVEEMLMR[Ser465Leu]EEEEAEEAAA

ClinVar aggregate classification (germline): Uncertain significance (1 of 4 stars; one submission).

Conditions:
Primary ciliary dyskinesia. Also called: Ciliary dyskinesia. Identifiers: Orphanet 244, MedGen C0008780, MONDO:0016575, HP:0012265.

gnomAD v4.1: 1 of 1,613,828 alleles (0.000062%); highest among the groups gnomAD compares: Admixed American, 0.0017%; no homozygotes.

Submission:

Labcorp Genetics (formerly Invitae), Labcorp
Classification: Uncertain significance for Primary ciliary dyskinesia. Last evaluated: 2024-10-06. Review status: criteria provided, single submitter. Criteria: Invitae Variant Classification Sherloc (09022015). Collection method: clinical testing. Allele origin: germline.
Comment: This sequence change replaces serine, which is neutral and polar, with leucine, which is neutral and non-polar, at codon 465 of the DRC1 protein (p.Ser465Leu). This variant is present in population databases (no rsID available, gnomAD 0.003%). This variant has not been reported in the literature in individuals affected with DRC1-related conditions. An algorithm developed to predict the effect of missense changes on protein structure and function (PolyPhen-2) suggests that this variant is likely to be tolerated. Algorithms developed to predict the effect of sequence changes on RNA splicing suggest that this variant may disrupt the consensus splice site. In summary, the available evidence is currently insufficient to determine the role of this variant in disease. Therefore, it has been classified as a Variant of Uncertain Significance.